The following is an entry in ClinVar:

ClinVar aggregate classification (germline): Uncertain significance (1 of 4 stars; one submission).

Conditions:
Hypertrophic cardiomyopathy. Also called: HYPERTROPHIC MYOCARDIOPATHY. Identifiers: Orphanet 217569, MedGen C0007194, MeSH D002312, MONDO:0005045, HP:0001639.

gnomAD v4.1: 1 of 1,609,754 alleles (0.000062%); no homozygotes.

Submission:

Labcorp Genetics (formerly Invitae), Labcorp
Classification: Uncertain significance for Hypertrophic cardiomyopathy. Last evaluated: 2021-09-15. Review status: criteria provided, single submitter. Criteria: Invitae Variant Classification Sherloc (09022015). Collection method: clinical testing. Allele origin: germline.
Comment: In summary, the available evidence is currently insufficient to determine the role of this variant in disease. Therefore, it has been classified as a Variant of Uncertain Significance. Algorithms developed to predict the effect of missense changes on protein structure and function are either unavailable or do not agree on the potential impact of this missense change (SIFT: "Deleterious"; PolyPhen-2: "Probably Damaging"; Align-GVGD: "Class C0"). This variant has not been reported in the literature in individuals affected with MYOM1-related conditions. This variant is not present in population databases (ExAC no frequency). This sequence change replaces tyrosine with cysteine at codon 972 of the MYOM1 protein (p.Tyr972Cys). The tyrosine residue is moderately conserved and there is a large physicochemical difference between tyrosine and cysteine.

NM_003803.4(MYOM1):c.2915A>G (p.Tyr972Cys)

Gene: MYOM1 (myomesin 1; minus strand). Cytogenetic location: 18p11.31.
Variant type: single nucleotide variant.
Coding change: c.2915A>G on transcript NM_003803.4 (MANE Select); coding-DNA position 2915, A replaced by G.
Protein change: p.Tyr972Cys; replaces tyrosine 972 with cysteine.
Molecular consequence: missense variant.
Genome position (GRCh38, 1-based): chr18:3,126,777, T>C on the plus strand (A>G on the coding strand, the complement: MYOM1 is on the minus strand). VCF-style: chr18-3126777-T-C. GRCh37 (hg19) VCF-style: chr18-3126775-T-C.
Other names: c.2627A>G, p.Tyr876Cys (NM_019856.2); short protein forms Y876C, Y972C.
Identifiers: ClinVar variation 1381360 (VCV001381360.6), dbSNP rs2143864654, ClinGen allele CA401708472.